The following is an entry in ClinVar:

ClinVar aggregate classification (germline): Likely benign. Review status: criteria provided, multiple submitters, no conflicts (2 of 4 stars). 2 submissions from 2 submitters: Likely benign (2). Last evaluated 2025-11-18.

Conditions:
Blau syndrome (BLAUS). Also called: ARTHROCUTANEOUVEAL GRANULOMATOSIS; GRANULOMATOSIS, FAMILIAL JUVENILE SYSTEMIC; GRANULOMATOSIS, FAMILIAL, BLAU TYPE; GRANULOMATOUS INFLAMMATORY ARTHRITIS, DERMATITIS, AND UVEITIS, FAMILIAL; JABS SYNDROME. Identifiers: Orphanet 90340, MedGen C5201146, MONDO:0008523, OMIM 186580.
Regional enteritis. Also called: Enteritis, Granulomatous. Identifiers: MedGen C0678202, MeSH D003424.

Allele frequency attached by ClinVar (database versions not stated): gnomAD 0.00001; ExAC 0.00002; gnomAD exomes 0.00002 and 0.00004; TOPMed 0.00002.
gnomAD v4.1: 36 of 1,613,152 alleles (0.0022%); highest among the groups gnomAD compares: Middle Eastern, 0.016%; no homozygotes.

Submissions (2):

Labcorp Genetics (formerly Invitae), Labcorp
Classification: Likely benign for Regional enteritis; Blau syndrome. Last evaluated: 2025-11-18. Review status: criteria provided, single submitter. Criteria: Invitae Variant Classification Sherloc (09022015). Collection method: clinical testing. Allele origin: germline.

CeGaT Center for Human Genetics Tuebingen
Classification: Likely benign. Last evaluated: 2025-06-01. Review status: criteria provided, single submitter. Criteria: CeGaT Center For Human Genetics Tuebingen Variant Classification Criteria Version 2. Collection method: clinical testing. Allele origin: germline. Affected: yes. Observed: 1 variant allele.
Comment: NOD2: BP4, BP7

NM_001370466.1(NOD2):c.1530C>T (p.Pro510=)

Gene: NOD2 (nucleotide binding oligomerization domain containing 2; plus strand). Cytogenetic location: 16q12.1.
Variant type: single nucleotide variant.
Coding change: c.1530C>T on transcript NM_001370466.1 (MANE Select); coding-DNA position 1530, C replaced by T.
Protein change: p.Pro510=; no amino-acid change (proline 510 retained).
Molecular consequence: synonymous variant. On other transcripts: non-coding transcript variant (1).
Genome position (GRCh38, 1-based): chr16:50,711,522, C>T. VCF-style: chr16-50711522-C-T. GRCh37 (hg19) VCF-style: chr16-50745433-C-T.
Other names: c.1530C>T, p.Pro510= (NM_001293557.2); c.1611C>T, p.Pro537= (NM_022162.3).
Identifiers: ClinVar variation 1139803 (VCV001139803.17), dbSNP rs750399794, ClinGen allele CA8051591.
Genomic context (GRCh38, chr16:50,711,522, plus strand): 5'-TCTGCAGCATTTTCTGCTGCATGCCACCCCCCCAGACTCAGCTTCCCAAGGTCTGGGACC[C>T]AGTCTTCTTCGGGGCCGCCTCCCCACCCTCCTGCACCTGGGCAGACTGGCTCTGTGGGGC-3'
Protein context (NP_001357395.1, residues 500-520): PPDSASQGLG[Pro510=]SLLRGRLPTL